The following is an entry in ClinVar:

NM_007294.4(BRCA1):c.4096G>A (p.Gly1366Ser)

Genes: BRCA1 (BRCA1 DNA repair associated; minus strand), LOC126862571 (BRD4-independent group 4 enhancer GRCh37_chr17:41243136-41244335; plus strand). Cytogenetic location: 17q21.31.
Variant type: single nucleotide variant.
Coding change: c.4096G>A on transcript NM_007294.4 (MANE Select); coding-DNA position 4096, G replaced by A.
Protein change: p.Gly1366Ser; replaces glycine 1366 with serine.
Molecular consequence: missense variant. On other transcripts: intron variant (135).
Genome position (GRCh38, 1-based): chr17:43,091,435, C>T on the plus strand (G>A on the coding strand, the complement: BRCA1 is on the minus strand). VCF-style: chr17-43091435-C-T. GRCh37 (hg19) VCF-style: chr17-41243452-C-T.
Other names: 4215G>A; c.647-403G>A (NM_001408452.1, NM_001408457.1, NM_001408460.1 and 11 more transcripts); c.524-403G>A (NM_001408497.1, NM_001408496.1, NM_001408499.1 and 3 more transcripts); c.788-403G>A (NM_001407973.1, NM_001408403.1, NM_001407983.1 and 17 more transcripts); c.404-403G>A (NM_001408511.1); c.521-403G>A (NM_001408505.1, NM_001408504.1, NM_001408503.1); c.461-403G>A (NM_001408507.1, NM_001408506.1); c.545-403G>A (NM_001408495.1); and 42 more; short protein forms G1366S, G1319S, G1238S, G1254S, G1295S, G1298S, G498S, G1296S.
Identifiers: ClinVar variation 96925 (VCV000096925.21), dbSNP rs431825405, ClinGen allele CA002620.

ClinVar aggregate classification (germline): Uncertain significance. Review status: criteria provided, multiple submitters, no conflicts (2 of 4 stars). 6 submissions from 6 submitters: Uncertain significance (5). 1 of the submissions does not count toward it. Last evaluated 2025-02-12.

Conditions:
Breast-ovarian cancer, familial, susceptibility to, 1 (BROVCA1). Also called: BRCA1 Hereditary Breast and Ovarian Cancer; OVARIAN CANCER, SUSCEPTIBILITY TO. Identifiers: Orphanet 145, MedGen C2676676, MONDO:0011450, OMIM 604370. Disease mechanism: loss of function.
Hereditary cancer-predisposing syndrome. Also called: Hereditary Cancer Syndrome; Neoplastic Syndromes, Hereditary; Hereditary neoplastic syndrome; Tumor predisposition. Identifiers: Orphanet 140162, MedGen C0027672, MeSH D009386, MONDO:0015356.
Hereditary breast ovarian cancer syndrome. Also called: Hereditary breast and/or ovarian cancer syndrome; Hereditary breast and ovarian cancer syndrome; Hereditary breast and ovarian cancer; Hereditary breast and ovarian cancer syndrome (HBOC); Breast and ovarian cancer; BRCA1- and BRCA2-Associated Hereditary Breast and Ovarian Cancer. Identifiers: Orphanet 145, MedGen C0677776, MeSH D061325, MONDO:0003582. Disease mechanism: loss of function.

Submissions (6):

Women's Health and Genetics/Laboratory Corporation of America, LabCorp
Classification: Uncertain significance. Last evaluated: 2025-02-12. Review status: criteria provided, single submitter. Criteria: LabCorp Variant Classification Summary - May 2015. Collection method: clinical testing. Allele origin: germline.
Comment: Variant summary: BRCA1 c.4096G>A (p.Gly1366Ser) results in a non-conservative amino acid change in the encoded protein sequence. Four of five in-silico tools predict a damaging effect of the variant on protein function. Several computational tools predict a significant impact on normal splicing: Three predict the variant abolishes a 5' splicing donor site. However, these predictions have yet to be confirmed by functional studies. The variant was absent in 250952 control chromosomes. The available data on variant occurrences in the general population are insufficient to allow any conclusion about variant significance. To our knowledge, no occurrence of c.4096G>A in individuals affected with Hereditary Breast And Ovarian Cancer Syndrome has been reported. At least one publication reports experimental evidence evaluating an impact on protein function, however, does not allow convincing conclusions about the variant effect (Bouwman_2020). The following publication have been ascertained in the context of this evaluation (PMID: 32546644). ClinVar contains an entry for this variant (Variation ID: 96925). Based on the evidence outlined above, the variant was classified as uncertain significance.

Ambry Genetics
Classification: Uncertain significance for Hereditary cancer-predisposing syndrome. Last evaluated: 2024-03-04. Review status: criteria provided, single submitter. Criteria: Ambry Variant Classification Scheme 2023. Collection method: clinical testing. Allele origin: germline.
Comment: The c.4096G>A variant (also known as p.G1366S), located in coding exon 9 of the BRCA1 gene, results from a G to A substitution at nucleotide position 4096. The glycine at codon 1366 is replaced by serine, an amino acid with similar properties. This change occurs in the last base pair of coding exon 9, which makes it likely to have some effect on normal mRNA splicing; however this exon, which comprises over 50% of the BRCA1 protein, is absent in part or in whole in naturally occurring alternative splicing isoforms (Colombo M et al. Hum Mol Genet 2014 Jul;23(14):3666-80). This nucleotide position is highly conserved in available vertebrate species. This amino acid position is not well conserved in available vertebrate species. In silico splice site analysis predicts that this alteration will weaken the native splice donor site; however, direct evidence is insufficient (Ambry internal data). In addition, as a missense substitution, the in silico prediction for this variant is inconclusive. Since supporting evidence is limited at this time, the clinical significance of this alteration remains unclear.

Labcorp Genetics (formerly Invitae), Labcorp
Classification: Uncertain significance for Hereditary breast ovarian cancer syndrome. Last evaluated: 2024-03-01. Review status: criteria provided, single submitter. Criteria: Invitae Variant Classification Sherloc (09022015). Collection method: clinical testing. Allele origin: germline.
Comment: This sequence change replaces glycine, which is neutral and non-polar, with serine, which is neutral and polar, at codon 1366 of the BRCA1 protein (p.Gly1366Ser). This variant is not present in population databases (gnomAD no frequency). This variant has not been reported in the literature in individuals affected with BRCA1-related conditions. ClinVar contains an entry for this variant (Variation ID: 96925). An algorithm developed to predict the effect of missense changes on protein structure and function (PolyPhen-2) suggests that this variant is likely to be tolerated. Experimental studies are conflicting or provide insufficient evidence to determine the effect of this variant on BRCA1 function (PMID: 32546644). Algorithms developed to predict the effect of sequence changes on RNA splicing suggest that this variant may disrupt the consensus splice site. In summary, the available evidence is currently insufficient to determine the role of this variant in disease. Therefore, it has been classified as a Variant of Uncertain Significance.

GeneDx
Classification: Uncertain significance. Last evaluated: 2024-02-13. Review status: criteria provided, single submitter. Criteria: GeneDx Variant Classification Process June 2021. Collection method: clinical testing. Allele origin: germline. Affected: yes.
Comment: Published protein-based functional assays suggest no damaging effect: neutral in three homologous recombination repair complementation assays (PMID: 32546644); Not observed in large population cohorts (gnomAD); In silico analysis supports a deleterious effect on splicing; In silico analysis supports that this missense variant does not alter protein structure/function; Also known as 4215G>A; This variant is associated with the following publications: (PMID: 32377563, 29884841, 15343273, 22737296, 32546644)

Color Diagnostics, LLC DBA Color Health
Classification: Uncertain significance for Hereditary cancer-predisposing syndrome. Last evaluated: 2019-05-16. Review status: criteria provided, single submitter. Criteria: ACMG Guidelines, 2015. Collection method: clinical testing. Allele origin: germline.

Sharing Clinical Reports Project (SCRP)
Classification: Uncertain significance for Breast-ovarian cancer, familial 1. Last evaluated: 2010-03-22. Review status: no assertion criteria provided. Collection method: clinical testing. Allele origin: germline. Not counted in ClinVar's aggregate classification.

Literature cited by the submitters: PubMed 32546644 (cited by 3 submitters).